The following is an entry in ClinVar:

NM_000038.6(APC):c.3636_3637del (p.Ser1213fs)

Gene: APC (APC regulator of Wnt signaling pathway; plus strand). Cytogenetic location: 5q22.2.
Variant type: Deletion.
Coding change: c.3636_3637del on transcript NM_000038.6 (MANE Select); coding-DNA positions 3636 to 3637, 2 bases deleted (TT; older notation c.3636_3637delTT).
Protein change: p.Ser1213fs; shifts the reading frame from serine 1213.
Molecular consequence: frameshift variant. On other transcripts: non-coding transcript variant (2).
Genome position (GRCh38, 1-based): chr5:112,839,230-112,839,231, TT deleted. VCF-style (leftmost placement, unchanged base first): chr5-112839229-CTT-C. GRCh37 (hg19) VCF-style: chr5-112174926-CTT-C.
Other names: c.3636_3637del, p.Ser1213fs (NM_001127510.3, NM_001354895.2, NM_001407450.1); c.3582_3583del, p.Ser1195fs (NM_001127511.3); c.3690_3691del, p.Ser1231fs (NM_001354896.2, NM_001407447.1, NM_001407448.1 and 1 more transcripts); c.3666_3667del, p.Ser1223fs (NM_001354897.2); c.3561_3562del, p.Ser1188fs (NM_001354898.2); c.3552_3553del, p.Ser1185fs (NM_001354899.2); c.3513_3514del, p.Ser1172fs (NM_001354900.2); c.3459_3460del, p.Ser1154fs (NM_001354901.2, NM_001407453.1); and 11 more; short protein forms S1053fs, S1084fs, S1087fs, S1112fs, S1122fs, S1130fs, S1154fs, S1172fs.
Identifiers: ClinVar variation 2583985 (VCV002583985.2), dbSNP rs2533513294, ClinGen allele CA2582341526.

ClinVar aggregate classification (germline): Pathogenic (1 of 4 stars; one submission).

Conditions:
Familial adenomatous polyposis 1 (FAP1). Also called: FAMILIAL ADENOMATOUS POLYPOSIS 1, ATTENUATED; POLYPOSIS, ADENOMATOUS INTESTINAL. Identifiers: MedGen C2713442, MONDO:0021056, OMIM 175100. Disease mechanism: loss of function.

Submission:

Myriad Genetics, Inc.
Classification: Pathogenic for Familial adenomatous polyposis 1. Last evaluated: 2023-05-09. Review status: criteria provided, single submitter. Criteria: Myriad Autosomal Dominant, Autosomal Recessive and X-Linked Classification Criteria (2023). Collection method: clinical testing. Allele origin: unknown.
Comment: This variant is considered pathogenic. This variant creates a frameshift predicted to result in premature protein truncation.